The following is an entry in ClinVar:

NM_001252024.2(TRPM1):c.892G>A (p.Val298Met)

Gene: TRPM1 (transient receptor potential cation channel subfamily M member 1; minus strand). Cytogenetic location: 15q13.3.
Variant type: single nucleotide variant.
Coding change: c.892G>A on transcript NM_001252024.2 (MANE Select); coding-DNA position 892, G replaced by A.
Protein change: p.Val298Met; replaces valine 298 with methionine.
Molecular consequence: missense variant.
Genome position (GRCh38, 1-based): chr15:31,063,191, C>T on the plus strand (G>A on the coding strand, the complement: TRPM1 is on the minus strand). VCF-style: chr15-31063191-C-T. GRCh37 (hg19) VCF-style: chr15-31355394-C-T.
Other names: c.943G>A, p.Val315Met (NM_001252020.2); c.826G>A, p.Val276Met (NM_002420.6); short protein forms V276M, V315M, V298M.
Identifiers: ClinVar variation 2108232 (VCV002108232.4), dbSNP rs1403070812, ClinGen allele CA391528621.

ClinVar aggregate classification (germline): Uncertain significance (1 of 4 stars; one submission).

Allele frequency attached by ClinVar (database versions not stated): gnomAD exomes below 0.00001.
gnomAD v4.1: 2 of 1,614,244 alleles (0.00012%); highest among the groups gnomAD compares: South Asian, 0.0011%; no homozygotes.

Submission:

Labcorp Genetics (formerly Invitae), Labcorp
Classification: Uncertain significance. Last evaluated: 2022-03-19. Review status: criteria provided, single submitter. Criteria: Invitae Variant Classification Sherloc (09022015). Collection method: clinical testing. Allele origin: germline.
Comment: This sequence change replaces valine, which is neutral and non-polar, with methionine, which is neutral and non-polar, at codon 276 of the TRPM1 protein (p.Val276Met). In summary, the available evidence is currently insufficient to determine the role of this variant in disease. Therefore, it has been classified as a Variant of Uncertain Significance. Algorithms developed to predict the effect of missense changes on protein structure and function are either unavailable or do not agree on the potential impact of this missense change (SIFT: "Deleterious"; PolyPhen-2: "Probably Damaging"; Align-GVGD: "Class C15"). This variant has not been reported in the literature in individuals affected with TRPM1-related conditions. This variant is present in population databases (no rsID available, gnomAD 0.003%).